The following is an entry in ClinVar:

NM_015378.4(VPS13D):c.9860T>G (p.Ile3287Ser)

Gene: VPS13D (vacuolar protein sorting 13 homolog D; plus strand). Cytogenetic location: 1p36.22.
Variant type: single nucleotide variant.
Coding change: c.9860T>G on transcript NM_015378.4 (MANE Select); coding-DNA position 9860, T replaced by G.
Protein change: p.Ile3287Ser; replaces isoleucine 3287 with serine.
Molecular consequence: missense variant.
Genome position (GRCh38, 1-based): chr1:12,356,079, T>G. VCF-style: chr1-12356079-T-G. GRCh37 (hg19) VCF-style: chr1-12416136-T-G.
Other names: c.9785T>G, p.Ile3262Ser (NM_018156.4); c.9860T>G (NM_015378.2); short protein forms I3287S, I3262S.
Identifiers: ClinVar variation 1998553 (VCV001998553.5), dbSNP rs1643883477, ClinGen allele CA338495417.

ClinVar aggregate classification (germline): Uncertain significance. Review status: criteria provided, multiple submitters, no conflicts (2 of 4 stars). 2 submissions from 2 submitters: Uncertain significance (2). Last evaluated 2025-06-03.

Conditions:
Inborn genetic diseases. Identifiers: MedGen C0950123, MeSH D030342.

Allele frequency attached by ClinVar (database versions not stated): gnomAD exomes below 0.00001; TOPMed below 0.00001.
gnomAD v4.1: 1 of 1,609,954 alleles (0.000062%); highest among the groups gnomAD compares: Non-Finnish European, 0.000085%; no homozygotes.

Submissions (2):

Ambry Genetics
Classification: Uncertain significance for Inborn genetic diseases. Last evaluated: 2025-06-03. Review status: criteria provided, single submitter. Criteria: Ambry Variant Classification Scheme 2023. Collection method: clinical testing. Allele origin: germline.

Labcorp Genetics (formerly Invitae), Labcorp
Classification: Uncertain significance. Last evaluated: 2024-12-02. Review status: criteria provided, single submitter. Criteria: Invitae Variant Classification Sherloc (09022015). Collection method: clinical testing. Allele origin: germline.
Comment: This sequence change replaces isoleucine, which is neutral and non-polar, with serine, which is neutral and polar, at codon 3287 of the VPS13D protein (p.Ile3287Ser). This variant is not present in population databases (gnomAD no frequency). This variant has not been reported in the literature in individuals affected with VPS13D-related conditions. ClinVar contains an entry for this variant (Variation ID: 1998553). Invitae Evidence Modeling of protein sequence and biophysical properties (such as structural, functional, and spatial information, amino acid conservation, physicochemical variation, residue mobility, and thermodynamic stability) indicates that this missense variant is expected to disrupt VPS13D protein function with a positive predictive value of 80%. In summary, the available evidence is currently insufficient to determine the role of this variant in disease. Therefore, it has been classified as a Variant of Uncertain Significance.